The following is an entry in ClinVar:

NM_002439.5(MSH3):c.465dup (p.Leu156fs)

Gene: MSH3 (mutS homolog 3; plus strand). Cytogenetic location: 5q14.1.
Variant type: Duplication.
Coding change: c.465dup on transcript NM_002439.5 (MANE Select); coding-DNA position 465, one base duplicated (T; older notation c.465dupT).
Protein change: p.Leu156fs; shifts the reading frame from leucine 156.
Molecular consequence: frameshift variant.
Genome position (GRCh38, 1-based): chr5:80,665,249, T duplicated. VCF-style (leftmost placement, unchanged base first): chr5-80665248-C-CT. GRCh37 (hg19) VCF-style: chr5-79961067-C-CT.
Other names: short protein forms L156fs.
Identifiers: ClinVar variation 3379259 (VCV003379259.1).

ClinVar aggregate classification (germline): Pathogenic (1 of 4 stars; one submission).

Conditions:
Familial adenomatous polyposis 4 (FAP4). Also called: MSH3-related attenuated familial adenomatous polyposis. Identifiers: Orphanet 480536, MedGen C4310719, MONDO:0044300, OMIM 617100.

Submission:

Myriad Genetics, Inc.
Classification: Pathogenic for Familial adenomatous polyposis 4. Last evaluated: 2024-07-31. Review status: criteria provided, single submitter. Criteria: Myriad Autosomal Dominant, Autosomal Recessive and X-Linked Classification Criteria (2023). Collection method: clinical testing. Allele origin: unknown.
Comment: This variant is considered pathogenic. This variant creates a frameshift predicted to result in premature protein truncation.